The following is an entry in ClinVar:

ClinVar aggregate classification (germline): Uncertain significance (1 of 4 stars; one submission).

Submission:

Labcorp Genetics (formerly Invitae), Labcorp
Classification: Uncertain significance. Last evaluated: 2023-08-08. Review status: criteria provided, single submitter. Criteria: Invitae Variant Classification Sherloc (09022015). Collection method: clinical testing. Allele origin: germline.
Comment: This variant is not present in population databases (gnomAD no frequency). This sequence change replaces alanine, which is neutral and non-polar, with valine, which is neutral and non-polar, at codon 450 of the SIX5 protein (p.Ala450Val). This variant has not been reported in the literature in individuals affected with SIX5-related conditions. In summary, the available evidence is currently insufficient to determine the role of this variant in disease. Therefore, it has been classified as a Variant of Uncertain Significance. Advanced modeling of protein sequence and biophysical properties (such as structural, functional, and spatial information, amino acid conservation, physicochemical variation, residue mobility, and thermodynamic stability) performed at Invitae indicates that this missense variant is not expected to disrupt SIX5 protein function.

NM_175875.5(SIX5):c.1349C>T (p.Ala450Val)

Gene: SIX5 (SIX homeobox 5; minus strand). Cytogenetic location: 19q13.32.
Variant type: single nucleotide variant.
Coding change: c.1349C>T on transcript NM_175875.5 (MANE Select); coding-DNA position 1349, C replaced by T.
Protein change: p.Ala450Val; replaces alanine 450 with valine.
Molecular consequence: missense variant.
Genome position (GRCh38, 1-based): chr19:45,766,610, G>A on the plus strand (C>T on the coding strand, the complement: SIX5 is on the minus strand). VCF-style: chr19-45766610-G-A. GRCh37 (hg19) VCF-style: chr19-46269868-G-A.
Other names: short protein forms A450V.
Identifiers: ClinVar variation 2961548 (VCV002961548.3), dbSNP rs753721697, ClinGen allele CA406418356.
Genomic context (GRCh38, chr19:45,766,610, plus strand): 5'-GAGGTGGGGCTCAGGCCCGTGGGATACCCCGGGGGTGGGGAGAGCGGTACCACTTGTGGG[G>A]CAGCCACAGCAGGCACTGGCCCCGGGGGCAGAGGAAAGGTGGCAGCCGTCGGGGGGCCAG-3'
Protein context (NP_787071.3, residues 440-460): LPPGPVPAVA[Ala450Val]PQVVPLSPPP